The following is an entry in ClinVar:

NM_002392.6(MDM2):c.85G>A (p.Glu29Lys)

Genes: MDM2 (MDM2 proto-oncogene; plus strand), LOC126861563 (CDK7 strongly-dependent group 2 enhancer GRCh37_chr12:69202246-69203445; plus strand). Cytogenetic location: 12q15.
Variant type: single nucleotide variant.
Coding change: c.85G>A on transcript NM_002392.6 (MANE Select); coding-DNA position 85, G replaced by A.
Protein change: p.Glu29Lys; replaces glutamic acid 29 with lysine.
Molecular consequence: missense variant.
Genome position (GRCh38, 1-based): chr12:68,809,278, G>A. VCF-style: chr12-68809278-G-A. GRCh37 (hg19) VCF-style: chr12-69203058-G-A.
Other names: c.67G>A, p.Glu23Lys (NM_001145337.3, NM_001145340.3, NM_001278462.2 and 1 more transcripts); c.85G>A, p.Glu29Lys (NM_001145339.2); short protein forms E23K, E29K.
Identifiers: ClinVar variation 1359480 (VCV001359480.6), dbSNP rs1361311287, ClinGen allele CA385702983.
Genomic context (GRCh38, chr12:68,809,278, plus strand): 5'-AATACCAACATGTCTGTACCTACTGATGGTGCTGTAACCACCTCACAGATTCCAGCTTCG[G>A]AACAAGAGACCCTGGTTAGTATTTTTGTCTCGTGTAACTTTTAAGAATAATTTATTTTAT-3'
Protein context (NP_002383.2, residues 19-39): AVTTSQIPAS[Glu29Lys]QETLVRPKPL

ClinVar aggregate classification (germline): Uncertain significance (1 of 4 stars; one submission).

Conditions:
Accelerated tumor formation, susceptibility to (ACTFS). Identifiers: MedGen C3280690, OMIM 614401, MONDO:0013733.

Allele frequency attached by ClinVar (database versions not stated): gnomAD exomes below 0.00001.
gnomAD v4.1: 1 of 1,613,986 alleles (0.000062%); highest among the groups gnomAD compares: South Asian, 0.0011%; no homozygotes.

Submission:

Labcorp Genetics (formerly Invitae), Labcorp
Classification: Uncertain significance for Accelerated tumor formation, susceptibility to. Last evaluated: 2024-07-10. Review status: criteria provided, single submitter. Criteria: Invitae Variant Classification Sherloc (09022015). Collection method: clinical testing. Allele origin: germline.
Comment: This sequence change replaces glutamic acid, which is acidic and polar, with lysine, which is basic and polar, at codon 29 of the MDM2 protein (p.Glu29Lys). This variant is present in population databases (no rsID available, gnomAD 0.003%). This variant has not been reported in the literature in individuals affected with MDM2-related conditions. ClinVar contains an entry for this variant (Variation ID: 1359480). An algorithm developed to predict the effect of missense changes on protein structure and function (PolyPhen-2) suggests that this variant is likely to be disruptive. In summary, the available evidence is currently insufficient to determine the role of this variant in disease. Therefore, it has been classified as a Variant of Uncertain Significance.